The following is an entry in ClinVar:

NM_000143.4(FH):c.1326A>T (p.Thr442=)

Gene: FH (fumarate hydratase; minus strand). Cytogenetic location: 1q43.
Variant type: single nucleotide variant.
Coding change: c.1326A>T on transcript NM_000143.4 (MANE Select); coding-DNA position 1326, A replaced by T.
Protein change: p.Thr442=; no amino-acid change (threonine 442 retained).
Molecular consequence: synonymous variant.
Genome position (GRCh38, 1-based): chr1:241,500,501, T>A on the plus strand (A>T on the coding strand, the complement: FH is on the minus strand). VCF-style: chr1-241500501-T-A. GRCh37 (hg19) VCF-style: chr1-241663801-T-A.
Identifiers: ClinVar variation 1770008 (VCV001770008.3), dbSNP rs2147913140, ClinGen allele CA424075488.

ClinVar aggregate classification (germline): Benign/Likely benign. Review status: criteria provided, multiple submitters, no conflicts (2 of 4 stars). 2 submissions from 2 submitters: Benign (1); Likely benign (1). Last evaluated 2024-10-21.

Conditions:
Hereditary cancer-predisposing syndrome. Also called: Neoplastic Syndromes, Hereditary; Tumor predisposition; Hereditary Cancer Syndrome; Hereditary neoplastic syndrome. Identifiers: Orphanet 140162, MedGen C0027672, MeSH D009386, MONDO:0015356.
Hereditary leiomyomatosis and renal cell cancer. Also called: MULTIPLE CUTANEOUS AND UTERINE LEIOMYOMATA 1, WITH OR WITHOUT RENAL CELL CARCINOMA; LEIOMYOMA, MULTIPLE CUTANEOUS; Reed syndrome; Multiple cutaneous and uterine leiomyomatosis; Cutaneous leiomyomata with uterine leiomyomata; Leiomyoma, hereditary multiple, of skin. Identifiers: Orphanet 523, MedGen C1708350, MONDO:0007888, OMIM 150800, HP:0007437. Disease mechanism: loss of function.

Submissions (2):

Myriad Genetics, Inc.
Classification: Benign for Hereditary leiomyomatosis and renal cell cancer. Last evaluated: 2024-10-21. Review status: criteria provided, single submitter. Criteria: Myriad Autosomal Dominant, Autosomal Recessive and X-Linked Classification Criteria (2023). Collection method: clinical testing. Allele origin: unknown.
Comment: This variant is considered benign. This variant is a silent/synonymous amino acid change and it is not expected to impact splicing.

Ambry Genetics
Classification: Likely benign for Hereditary cancer-predisposing syndrome. Last evaluated: 2020-06-26. Review status: criteria provided, single submitter. Criteria: Ambry Variant Classification Scheme 2023. Collection method: clinical testing. Allele origin: germline.